The following is an entry in ClinVar:

ClinVar aggregate classification (germline): Uncertain significance (1 of 4 stars; one submission).

Submission:

Labcorp Genetics (formerly Invitae), Labcorp
Classification: Uncertain significance. Last evaluated: 2024-04-01. Review status: criteria provided, single submitter. Criteria: Invitae Variant Classification Sherloc (09022015). Collection method: clinical testing. Allele origin: germline.
Comment: This sequence change replaces glycine, which is neutral and non-polar, with arginine, which is basic and polar, at codon 1845 of the SPTA1 protein (p.Gly1845Arg). This variant is present in population databases (rs769218124, gnomAD 0.0009%). This variant has not been reported in the literature in individuals affected with SPTA1-related conditions. Advanced modeling of protein sequence and biophysical properties (such as structural, functional, and spatial information, amino acid conservation, physicochemical variation, residue mobility, and thermodynamic stability) performed at Invitae indicates that this missense variant is not expected to disrupt SPTA1 protein function with a negative predictive value of 80%. In summary, the available evidence is currently insufficient to determine the role of this variant in disease. Therefore, it has been classified as a Variant of Uncertain Significance.

NM_003126.4(SPTA1):c.5533G>A (p.Gly1845Arg)

Gene: SPTA1 (spectrin alpha, erythrocytic 1; minus strand). Cytogenetic location: 1q23.1.
Variant type: single nucleotide variant.
Coding change: c.5533G>A on transcript NM_003126.4 (MANE Select); coding-DNA position 5533, G replaced by A.
Protein change: p.Gly1845Arg; replaces glycine 1845 with arginine.
Molecular consequence: missense variant.
Genome position (GRCh38, 1-based): chr1:158,634,575, C>T on the plus strand (G>A on the coding strand, the complement: SPTA1 is on the minus strand). VCF-style: chr1-158634575-C-T. GRCh37 (hg19) VCF-style: chr1-158604365-C-T.
Other names: short protein forms G1845R.
Identifiers: ClinVar variation 3694805 (VCV003694805.2).